The following is an entry in ClinVar:

ClinVar aggregate classification (germline): Uncertain significance (1 of 4 stars; one submission).

Allele frequency attached by ClinVar (database versions not stated): TOPMed below 0.00001; gnomAD 0.00001.
gnomAD v4.1: 1 of 151,876 alleles (0.00066%); highest among the groups gnomAD compares: Non-Finnish European, 0.0015%; no homozygotes.

Submission:

CeGaT Center for Human Genetics Tuebingen
Classification: Uncertain significance. Last evaluated: 2024-04-01. Review status: criteria provided, single submitter. Criteria: CeGaT Center For Human Genetics Tuebingen Variant Classification Criteria Version 2. Collection method: clinical testing. Allele origin: germline. Affected: yes. Observed: 1 variant allele.
Comment: SHANK2: PM2

NM_012309.5(SHANK2):c.1778-18909T>C

Gene: SHANK2 (SH3 and multiple ankyrin repeat domains 2; minus strand). Cytogenetic location: 11q13.4.
Variant type: single nucleotide variant.
Coding change: c.1778-18909T>C on transcript NM_012309.5 (MANE Select); 18909 bases into the intron before coding-DNA position 1778, T replaced by C.
Molecular consequence: intron variant.
Genome position (GRCh38, 1-based): chr11:70,717,672, A>G on the plus strand (T>C on the coding strand, the complement: SHANK2 is on the minus strand). VCF-style: chr11-70717672-A-G. GRCh37 (hg19) VCF-style: chr11-70563777-A-G.
Other names: c.641-18909T>C (NM_001379226.1).
Identifiers: ClinVar variation 3234502 (VCV003234502.20), dbSNP rs1474641028, ClinGen allele CA679838417.